The following is an entry in ClinVar:

ClinVar aggregate classification (germline): Uncertain significance (1 of 4 stars; one submission).

Allele frequency attached by ClinVar (database versions not stated): gnomAD exomes 0.00001; gnomAD 0.00002; TOPMed 0.00002; ExAC 0.00003.

Submission:

Labcorp Genetics (formerly Invitae), Labcorp
Classification: Uncertain significance. Last evaluated: 2025-03-17. Review status: criteria provided, single submitter. Criteria: Invitae Variant Classification Sherloc (09022015). Collection method: clinical testing. Allele origin: germline.
Comment: This sequence change replaces glutamine, which is neutral and polar, with arginine, which is basic and polar, at codon 3396 of the KMT2A protein (p.Gln3396Arg). This variant is present in population databases (rs782174272, gnomAD 0.004%). This variant has not been reported in the literature in individuals affected with KMT2A-related conditions. ClinVar contains an entry for this variant (Variation ID: 1901144). Invitae Evidence Modeling of protein sequence and biophysical properties (such as structural, functional, and spatial information, amino acid conservation, physicochemical variation, residue mobility, and thermodynamic stability) indicates that this missense variant is not expected to disrupt KMT2A protein function with a negative predictive value of 95%. In summary, the available evidence is currently insufficient to determine the role of this variant in disease. Therefore, it has been classified as a Variant of Uncertain Significance.

NM_001197104.2(KMT2A):c.10187A>G (p.Gln3396Arg)

Gene: KMT2A (lysine methyltransferase 2A; plus strand). Cytogenetic location: 11q23.3.
Variant type: single nucleotide variant.
Coding change: c.10187A>G on transcript NM_001197104.2 (MANE Select); coding-DNA position 10187, A replaced by G.
Protein change: p.Gln3396Arg; replaces glutamine 3396 with arginine.
Molecular consequence: missense variant.
Genome position (GRCh38, 1-based): chr11:118,506,079, A>G. VCF-style: chr11-118506079-A-G. GRCh37 (hg19) VCF-style: chr11-118376794-A-G.
Other names: c.10277A>G, p.Gln3426Arg (NM_001412597.1); c.10178A>G, p.Gln3393Arg (NM_005933.4); short protein forms Q3396R, Q3393R, Q3426R.
Identifiers: ClinVar variation 1901144 (VCV001901144.5), dbSNP rs782174272, ClinGen allele CA6304697.